The following is an entry in ClinVar:

NM_000303.3(PMM2):c.436G>A (p.Glu146Lys)

Gene: PMM2 (phosphomannomutase 2; plus strand). Cytogenetic location: 16p13.2.
Variant type: single nucleotide variant.
Coding change: c.436G>A on transcript NM_000303.3 (MANE Select); coding-DNA position 436, G replaced by A.
Protein change: p.Glu146Lys; replaces glutamic acid 146 with lysine.
Molecular consequence: missense variant.
Genome position (GRCh38, 1-based): chr16:8,811,167, G>A. VCF-style: chr16-8811167-G-A. GRCh37 (hg19) VCF-style: chr16-8905024-G-A.
Other names: short protein forms E146K.
Identifiers: ClinVar variation 1367896 (VCV001367896.5), dbSNP rs142420230, ClinGen allele CA7894058.
Genomic context (GRCh38, chr16:8,811,167, plus strand): 5'-ATGTTAAACGTGTCCCCTATTGGAAGAAGCTGCAGCCAAGAAGAACGCATTGAGTTCTAC[G>A]AACTCGATAAAGTACGTCTTTCTGAAATATCTTTGGTGAATGGCTGGGTTTATGGAAATA-3'
Protein context (NP_000294.1, residues 136-156): CSQEERIEFY[Glu146Lys]LDKKENIRQK

ClinVar aggregate classification (germline): Uncertain significance. Review status: criteria provided, single submitter (1 of 4 stars). 2 submissions from 2 submitters: Uncertain significance (1). 1 of the submissions does not count toward it. Last evaluated 2024-04-30.

Conditions:
PMM2-congenital disorder of glycosylation. Also called: CDG Ia; PHOSPHOMANNOMUTASE 2 DEFICIENCY; JAEKEN SYNDROME; Congenital disorder of glycosylation, type Ia; CARBOHYDRATE-DEFICIENT GLYCOPROTEIN SYNDROME, TYPE Ia; PMM2-CDG. Identifiers: Orphanet 79318, MedGen C0349653, MONDO:0008907, OMIM 212065.

Allele frequency attached by ClinVar (database versions not stated): gnomAD exomes 0.00004; gnomAD 0.00005 and 0.00006; ExAC 0.00006; TOPMed 0.00006; ESP Exome Variant Server 0.00008.
gnomAD v4.1: 33 of 1,557,974 alleles (0.0021%); highest among the groups gnomAD compares: Middle Eastern, 0.05%; no homozygotes.

Submissions (2):

Labcorp Genetics (formerly Invitae), Labcorp
Classification: Uncertain significance for PMM2-congenital disorder of glycosylation. Last evaluated: 2024-04-30. Review status: criteria provided, single submitter. Criteria: Invitae Variant Classification Sherloc (09022015). Collection method: clinical testing. Allele origin: germline.
Comment: This sequence change replaces glutamic acid, which is acidic and polar, with lysine, which is basic and polar, at codon 146 of the PMM2 protein (p.Glu146Lys). This variant is present in population databases (rs142420230, gnomAD 0.02%). This variant has not been reported in the literature in individuals affected with PMM2-related conditions. ClinVar contains an entry for this variant (Variation ID: 1367896). Advanced modeling of protein sequence and biophysical properties (such as structural, functional, and spatial information, amino acid conservation, physicochemical variation, residue mobility, and thermodynamic stability) performed at Invitae indicates that this missense variant is not expected to disrupt PMM2 protein function with a negative predictive value of 80%. Experimental studies have shown that this missense change does not substantially affect PMM2 function (PMID: 30530630). In summary, the available evidence is currently insufficient to determine the role of this variant in disease. Therefore, it has been classified as a Variant of Uncertain Significance.

Genetic Services Laboratory, University of Chicago
Classification: Uncertain significance. Last evaluated: 2022-07-12. Review status: no assertion criteria provided. Collection method: clinical testing. Allele origin: germline. Affected: no. Not counted in ClinVar's aggregate classification.
Comment: DNA sequence analysis of the PMM2 gene demonstrated a sequence change, c.436G>A, in exon 5 that results in an amino acid change, p.Glu146Lys. This sequence change has been described in the gnomAD database with a frequency of 0.015% in the African/African American subpopulation (dbSNP rs142420230). The p.Glu146Lys change affects a highly conserved amino acid residue located in a domain of the PMM2 protein that is known to be functional. In-silico pathogenicity prediction tools (SIFT, PolyPhen2, Align GVGD, REVEL) provide contradictory results for the p.Glu146Lys substitution. An experimental study in yeast showed that this sequence change may not impact PMM2 function (PMID: 305306300). This sequence change does not appear to have been previously described in individuals with PMM2-related disorders. Due to insufficient evidences and the lack of functional studies, the clinical significance of the p.Glu146Lys change remains unknown at this time.

Literature cited by the submitters: PubMed 30530630 (cited by Labcorp Genetics (formerly Invitae), Labcorp).